The following is an entry in ClinVar:

ClinVar aggregate classification (germline): Benign. Review status: criteria provided, multiple submitters, no conflicts (2 of 4 stars). 3 submissions from 3 submitters: Benign (2). 1 of the submissions does not count toward it. Last evaluated 2017-12-04.

Conditions:
DAAM1-related disorder. Also called: DAAM1-related condition.

Allele frequency attached by ClinVar (database versions not stated): gnomAD exomes 0.00079 and 0.00202; ExAC 0.00245; gnomAD 0.00688 and 0.00713; ESP Exome Variant Server 0.00723; TOPMed 0.00803; 1000 Genomes Project 30x 0.01202; 1000 Genomes Project 0.01218.
gnomAD v4.1: 2,255 of 1,614,066 alleles (0.14%); highest among the groups gnomAD compares: African/African-American, 2.4%; 18 homozygotes.

Submissions (3):

Labcorp Genetics (formerly Invitae), Labcorp
Classification: Benign. Last evaluated: 2017-12-04. Review status: criteria provided, single submitter. Criteria: Invitae Variant Classification Sherloc (09022015). Collection method: clinical testing. Allele origin: germline.

Breakthrough Genomics
Classification: Benign. Review status: criteria provided, single submitter. Criteria: ACMG Guidelines, 2015. Collection method: not provided. Allele origin: germline. Inheritance: Unknown mechanism. Affected: yes.

PreventionGenetics, part of Exact Sciences
Classification: Benign for DAAM1-related condition. Last evaluated: 2019-12-03. Review status: no assertion criteria provided. Collection method: clinical testing. Allele origin: germline. Not counted in ClinVar's aggregate classification.
Comment: This variant is classified as benign based on ACMG/AMP sequence variant interpretation guidelines (Richards et al. 2015 PMID: 25741868, with internal and published modifications).

NM_001270520.2(DAAM1):c.2410C>T (p.Leu804=)

Gene: DAAM1 (dishevelled associated activator of morphogenesis 1; plus strand). Cytogenetic location: 14q23.1.
Variant type: single nucleotide variant.
Coding change: c.2410C>T on transcript NM_001270520.2 (MANE Select); coding-DNA position 2410, C replaced by T.
Protein change: p.Leu804=; no amino-acid change (leucine 804 retained).
Molecular consequence: synonymous variant.
Genome position (GRCh38, 1-based): chr14:59,355,218, C>T. VCF-style: chr14-59355218-C-T. GRCh37 (hg19) VCF-style: chr14-59821936-C-T.
Other names: c.2440C>T, p.Leu814= (NM_014992.2).
Identifiers: ClinVar variation 710036 (VCV000710036.6), dbSNP rs61755340, ClinGen allele CA7207788.